The following is an entry in ClinVar:

NM_007294.4(BRCA1):c.1810A>G (p.Lys604Glu)

Gene: BRCA1 (BRCA1 DNA repair associated; minus strand). Cytogenetic location: 17q21.31.
Variant type: single nucleotide variant.
Coding change: c.1810A>G on transcript NM_007294.4 (MANE Select); coding-DNA position 1810, A replaced by G.
Protein change: p.Lys604Glu; replaces lysine 604 with glutamic acid.
Molecular consequence: missense variant. On other transcripts: intron variant (137).
Genome position (GRCh38, 1-based): chr17:43,093,721, T>C on the plus strand (A>G on the coding strand, the complement: BRCA1 is on the minus strand). VCF-style: chr17-43093721-T-C. GRCh37 (hg19) VCF-style: chr17-41245738-T-C.
Other names: c.1546A>G, p.Lys516Glu (NM_001407928.1, NM_001407929.1, NM_001407933.1 and 9 more transcripts); c.1543A>G, p.Lys515Glu (NM_001407930.1, NM_001407931.1, NM_001407932.1 and 2 more transcripts); c.1687A>G, p.Lys563Glu (NM_001407937.1, NM_001407938.1, NM_001407939.1 and 19 more transcripts); c.1684A>G, p.Lys562Glu (NM_001407940.1, NM_001407941.1, NM_001407649.1 and 11 more transcripts); c.1669A>G, p.Lys557Glu (NM_001407942.1, NM_001407944.1, NM_001407945.1 and 29 more transcripts); c.1666A>G, p.Lys556Glu (NM_001407943.1, NM_001407964.1, NM_001407740.1 and 20 more transcripts); c.1477A>G, p.Lys493Glu (NM_001407946.1, NM_001407947.1, NM_001407948.1 and 6 more transcripts); c.1474A>G, p.Lys492Glu (NM_001407954.1, NM_001407955.1, NM_001407956.1 and 1 more transcripts); and 40 more; short protein forms K557E, K604E, K492E, K516E, K533E, K562E, K603E, K436E.
Identifiers: ClinVar variation 1004428 (VCV001004428.17), dbSNP rs2053879900, ClinGen allele CA10598398.

ClinVar aggregate classification (germline): Conflicting classifications of pathogenicity. Review status: criteria provided, conflicting classifications (1 of 4 stars). 4 submissions from 4 submitters: Uncertain significance (3); Likely benign (1). Last evaluated 2025-09-29.

Conditions:
Hereditary cancer-predisposing syndrome. Also called: Hereditary neoplastic syndrome; Neoplastic Syndromes, Hereditary; Tumor predisposition; Hereditary Cancer Syndrome. Identifiers: Orphanet 140162, MedGen C0027672, MeSH D009386, MONDO:0015356.
Hereditary breast ovarian cancer syndrome. Also called: Hereditary breast and/or ovarian cancer syndrome; Hereditary breast and ovarian cancer syndrome; Hereditary breast and ovarian cancer syndrome (HBOC); Breast and ovarian cancer; BRCA1- and BRCA2-Associated Hereditary Breast and Ovarian Cancer; Hereditary breast and ovarian cancer. Identifiers: Orphanet 145, MedGen C0677776, MeSH D061325, MONDO:0003582. Disease mechanism: loss of function.

Submissions (4):

Labcorp Genetics (formerly Invitae), Labcorp
Classification: Uncertain significance for Hereditary breast ovarian cancer syndrome. Last evaluated: 2025-09-29. Review status: criteria provided, single submitter. Criteria: Invitae Variant Classification Sherloc (09022015). Collection method: clinical testing. Allele origin: germline.
Comment: This sequence change replaces lysine, which is basic and polar, with glutamic acid, which is acidic and polar, at codon 604 of the BRCA1 protein (p.Lys604Glu). This variant is not present in population databases (gnomAD no frequency). This variant has not been reported in the literature in individuals affected with BRCA1-related conditions. ClinVar contains an entry for this variant (Variation ID: 1004428). Invitae Evidence Modeling of protein sequence and biophysical properties (such as structural, functional, and spatial information, amino acid conservation, physicochemical variation, residue mobility, and thermodynamic stability) indicates that this missense variant is not expected to disrupt BRCA1 protein function with a negative predictive value of 80%. RNA analysis performed to evaluate the impact of this missense change on mRNA splicing indicates it does not significantly alter splicing (internal data). In summary, the available evidence is currently insufficient to determine the role of this variant in disease. Therefore, it has been classified as a Variant of Uncertain Significance.

Ambry Genetics
Classification: Uncertain significance for Hereditary cancer-predisposing syndrome. Last evaluated: 2024-05-19. Review status: criteria provided, single submitter. Criteria: Ambry Variant Classification Scheme 2023. Collection method: clinical testing. Allele origin: germline.
Comment: The p.K604E variant (also known as c.1810A>G), located in coding exon 9 of the BRCA1 gene, results from an A to G substitution at nucleotide position 1810. The lysine at codon 604 is replaced by glutamic acid, an amino acid with similar properties. This amino acid position is well conserved in available vertebrate species. In addition, the in silico prediction for this alteration is inconclusive. Since supporting evidence is limited at this time, the clinical significance of this alteration remains unclear.

University of Washington Department of Laboratory Medicine, University of Washington
Classification: Likely benign for Hereditary cancer-predisposing syndrome. Last evaluated: 2023-03-23. Review status: criteria provided, single submitter. Criteria: Dines et al. (Genet Med. 2020). Collection method: curation. Allele origin: germline.
Comment: Missense variant in a coldspot region where missense variants are very unlikely to be pathogenic (PMID:31911673).

BRCA1 coldspot (exon 11 using historical exon numbering). Reclassification based on statistical prior probability

GeneDx
Classification: Uncertain significance. Last evaluated: 2020-06-12. Review status: criteria provided, single submitter. Criteria: GeneDx Variant Classification Process June 2021. Collection method: clinical testing. Allele origin: germline. Affected: yes.
Comment: Not observed in large population cohorts (Lek 2016); In silico analysis supports that this missense variant has a deleterious effect on protein structure/function; Has not been previously published as pathogenic or benign to our knowledge; Also known as BRCA1 c.1929A>G